The following is an entry in ClinVar:

ClinVar aggregate classification (germline): Likely benign (0 of 4 stars; one submission).

Conditions:
ASXL3-related disorder. Also called: ASXL3-related condition. Identifiers: MedGen CN381524.

Allele frequency attached by ClinVar (database versions not stated): gnomAD exomes 0.00001; TOPMed 0.00001; ExAC 0.00002; gnomAD 0.00002.
gnomAD v4.1: 17 of 1,613,712 alleles (0.0011%); highest among the groups gnomAD compares: Admixed American, 0.005%; no homozygotes.

Submission:

PreventionGenetics, part of Exact Sciences
Classification: Likely benign for ASXL3-related condition. Last evaluated: 2019-02-19. Review status: no assertion criteria provided. Collection method: clinical testing. Allele origin: germline.
Comment: This variant is classified as likely benign based on ACMG/AMP sequence variant interpretation guidelines (Richards et al. 2015 PMID: 25741868, with internal and published modifications).

NM_030632.3(ASXL3):c.6345C>T (p.Phe2115=)

Gene: ASXL3 (ASXL transcriptional regulator 3; plus strand). Cytogenetic location: 18q12.1.
Variant type: single nucleotide variant.
Coding change: c.6345C>T on transcript NM_030632.3 (MANE Select); coding-DNA position 6345, C replaced by T.
Protein change: p.Phe2115=; no amino-acid change (phenylalanine 2115 retained).
Molecular consequence: synonymous variant.
Genome position (GRCh38, 1-based): chr18:33,746,193, C>T. VCF-style: chr18-33746193-C-T. GRCh37 (hg19) VCF-style: chr18-31326157-C-T.
Identifiers: ClinVar variation 3047517 (VCV003047517.2), dbSNP rs763915321, ClinGen allele CA8934626.
Genomic context (GRCh38, chr18:33,746,193, plus strand): 5'-ACTGGGCATGAAACAAGTTTCCTATGACCAGAATGAAATGAAAGAACAGTTAAAAGCATT[C>T]GCGCTAAAAAGTGCAGATTTCTCTTCCTATTTGCTTTCTGAGCCACAAAAGCCTTTTACC-3'
Protein context (NP_085135.1, residues 2105-2125): QNEMKEQLKA[Phe2115=]ALKSADFSSY